The following is an entry in ClinVar:

ClinVar aggregate classification (germline): Uncertain significance (1 of 4 stars; one submission).

Conditions:
Baller-Gerold syndrome (BGS). Also called: CRANIOSYNOSTOSIS WITH RADIAL DEFECTS. Identifiers: Orphanet 1225, MedGen C0265308, MONDO:0009039, OMIM 218600.

Allele frequency attached by ClinVar (database versions not stated): ExAC 0.00001; gnomAD 0.00001; gnomAD exomes 0.00001 and 0.00002; TOPMed 0.00002.
gnomAD v4.1: 20 of 1,611,476 alleles (0.0012%); highest among the groups gnomAD compares: Admixed American, 0.0017%; no homozygotes.

Submission:

Labcorp Genetics (formerly Invitae), Labcorp
Classification: Uncertain significance for Baller-Gerold syndrome. Last evaluated: 2026-01-05. Review status: criteria provided, single submitter. Criteria: Invitae Variant Classification Sherloc (09022015). Collection method: clinical testing. Allele origin: germline.
Comment: This sequence change replaces glycine, which is neutral and non-polar, with serine, which is neutral and polar, at codon 1118 of the RECQL4 protein (p.Gly1118Ser). This variant is present in population databases (rs773909942, gnomAD 0.003%). This variant has not been reported in the literature in individuals affected with RECQL4-related conditions. ClinVar contains an entry for this variant (Variation ID: 966632). Experimental studies and prediction algorithms are not available or were not evaluated, and the functional significance of this variant is currently unknown. In summary, the available evidence is currently insufficient to determine the role of this variant in disease. Therefore, it has been classified as a Variant of Uncertain Significance.

NM_004260.4(RECQL4):c.3352G>A (p.Gly1118Ser)

Gene: RECQL4 (RecQ like helicase 4; minus strand). Cytogenetic location: 8q24.3.
Variant type: single nucleotide variant.
Coding change: c.3352G>A on transcript NM_004260.4 (MANE Select); coding-DNA position 3352, G replaced by A.
Protein change: p.Gly1118Ser; replaces glycine 1118 with serine.
Molecular consequence: missense variant.
Genome position (GRCh38, 1-based): chr8:144,511,952, C>T on the plus strand (G>A on the coding strand, the complement: RECQL4 is on the minus strand). VCF-style: chr8-144511952-C-T. GRCh37 (hg19) VCF-style: chr8-145737335-C-T.
Other names: short protein forms G1118S.
Identifiers: ClinVar variation 966632 (VCV000966632.6), dbSNP rs773909942, ClinGen allele CA4947808.